The following is an entry in ClinVar:

NM_013432.5(TONSL):c.1162G>T (p.Glu388Ter)

Gene: TONSL (tonsoku like, DNA repair protein; minus strand). Cytogenetic location: 8q24.3.
Variant type: single nucleotide variant.
Coding change: c.1162G>T on transcript NM_013432.5 (MANE Select); coding-DNA position 1162, G replaced by T.
Protein change: p.Glu388Ter; replaces glutamic acid 388 with a stop codon.
Molecular consequence: nonsense.
Genome position (GRCh38, 1-based): chr8:144,440,720, C>A on the plus strand (G>T on the coding strand, the complement: TONSL is on the minus strand). VCF-style: chr8-144440720-C-A. GRCh37 (hg19) VCF-style: chr8-145666103-C-A.
Other names: short protein forms E388*.
Identifiers: ClinVar variation 2838273 (VCV002838273.3), dbSNP rs777286020, ClinGen allele CA372670288.

ClinVar aggregate classification (germline): Pathogenic (1 of 4 stars; one submission).

Submission:

Labcorp Genetics (formerly Invitae), Labcorp
Classification: Pathogenic. Last evaluated: 2023-10-04. Review status: criteria provided, single submitter. Criteria: Invitae Variant Classification Sherloc (09022015). Collection method: clinical testing. Allele origin: germline.
Comment: This sequence change creates a premature translational stop signal (p.Glu388*) in the TONSL gene. It is expected to result in an absent or disrupted protein product. Loss-of-function variants in TONSL are known to be pathogenic (PMID: 30773277). This variant is not present in population databases (gnomAD no frequency). This variant has not been reported in the literature in individuals affected with TONSL-related conditions. Algorithms developed to predict the effect of sequence changes on RNA splicing suggest that this variant may create or strengthen a splice site. For these reasons, this variant has been classified as Pathogenic.

Literature cited by the submitters: PubMed 30773277.